The following is an entry in ClinVar:

ClinVar aggregate classification (germline): Uncertain significance. Review status: criteria provided, multiple submitters, no conflicts (2 of 4 stars). 2 submissions from 2 submitters: Uncertain significance (2). Last evaluated 2024-02-24.

Conditions:
Jeune thoracic dystrophy. Also called: Jeune syndrome; Infantile thoracic dystrophy; Thoracic pelvic phalangeal dystrophy; Jeune's syndrome; Chondroectodermal dysplasia-like syndrome; Short-rib thoracic dysplasia. Identifiers: Orphanet 474, MedGen C0265275, MONDO:0018770.

Allele frequency attached by ClinVar (database versions not stated): ExAC 0.00006.
gnomAD v4.1: 30 of 1,613,578 alleles (0.0019%); highest among the groups gnomAD compares: Middle Eastern, 0.016%; no homozygotes.

Submissions (2):

Labcorp Genetics (formerly Invitae), Labcorp
Classification: Uncertain significance for Jeune thoracic dystrophy. Last evaluated: 2024-02-24. Review status: criteria provided, single submitter. Criteria: Invitae Variant Classification Sherloc (09022015). Collection method: clinical testing. Allele origin: germline.
Comment: This sequence change replaces arginine, which is basic and polar, with serine, which is neutral and polar, at codon 3656 of the DYNC2H1 protein (p.Arg3656Ser). This variant is present in population databases (rs763800155, gnomAD 0.007%). This variant has not been reported in the literature in individuals affected with DYNC2H1-related conditions. ClinVar contains an entry for this variant (Variation ID: 1519469). Advanced modeling of protein sequence and biophysical properties (such as structural, functional, and spatial information, amino acid conservation, physicochemical variation, residue mobility, and thermodynamic stability) performed at Invitae indicates that this missense variant is not expected to disrupt DYNC2H1 protein function with a negative predictive value of 95%. In summary, the available evidence is currently insufficient to determine the role of this variant in disease. Therefore, it has been classified as a Variant of Uncertain Significance.

Blueprint Genetics
Classification: Uncertain significance. Last evaluated: 2021-04-26. Review status: criteria provided, single submitter. Criteria: ACMG Guidelines, 2015. Collection method: clinical testing. Allele origin: germline.

NM_001377.3(DYNC2H1):c.10945C>A (p.Arg3649Ser)

Gene: DYNC2H1 (dynein cytoplasmic 2 heavy chain 1; plus strand). Cytogenetic location: 11q22.3.
Variant type: single nucleotide variant.
Coding change: c.10945C>A on transcript NM_001377.3 (MANE Select); coding-DNA position 10945, C replaced by A.
Protein change: p.Arg3649Ser; replaces arginine 3649 with serine.
Molecular consequence: missense variant.
Genome position (GRCh38, 1-based): chr11:103,286,309, C>A. VCF-style: chr11-103286309-C-A. GRCh37 (hg19) VCF-style: chr11-103157038-C-A.
Other names: c.10966C>A, p.Arg3656Ser (NM_001080463.2); short protein forms R3649S, R3656S.
Identifiers: ClinVar variation 1519469 (VCV001519469.5), dbSNP rs763800155, ClinGen allele CA6255122.